The following is an entry in ClinVar:

NM_001013838.3(CARMIL2):c.2665C>T (p.Arg889Trp)

Gene: CARMIL2 (capping protein regulator and myosin 1 linker 2; plus strand). Cytogenetic location: 16q22.1.
Variant type: single nucleotide variant.
Coding change: c.2665C>T on transcript NM_001013838.3 (MANE Select); coding-DNA position 2665, C replaced by T.
Protein change: p.Arg889Trp; replaces arginine 889 with tryptophan.
Molecular consequence: missense variant.
Genome position (GRCh38, 1-based): chr16:67,651,997, C>T. VCF-style: chr16-67651997-C-T. GRCh37 (hg19) VCF-style: chr16-67685900-C-T.
Other names: p.Arg889Trp; c.2557C>T, p.Arg853Trp (NM_001317026.3); short protein forms R853W, R889W.
Identifiers: ClinVar variation 1168996 (VCV001168996.42), dbSNP rs78320020, ClinGen allele CA8113847.

ClinVar aggregate classification (germline): Benign. Review status: criteria provided, multiple submitters, no conflicts (2 of 4 stars). 4 submissions from 4 submitters: Benign (4). Last evaluated 2026-08-01.

Allele frequency attached by ClinVar (database versions not stated): 1000 Genomes Project 30x 0.00484; 1000 Genomes Project 0.00539; TOPMed 0.00795; ESP Exome Variant Server 0.00944; gnomAD 0.00994 and 0.01025; gnomAD exomes 0.01014 and 0.01202; ExAC 0.01035.
gnomAD v4.1: 18,969 of 1,613,454 alleles (1.2%); highest among the groups gnomAD compares: Non-Finnish European, 1.3%; 171 homozygotes.

Submissions (4):

CeGaT Center for Human Genetics Tuebingen
Classification: Benign. Last evaluated: 2026-08-01. Review status: criteria provided, single submitter. Criteria: CeGaT Center For Human Genetics Tuebingen Variant Classification Criteria Version 2. Collection method: clinical testing. Allele origin: germline. Affected: yes. Observed: 22 variant alleles.
Comment: CARMIL2: BP4, BS1, BS2

Labcorp Genetics (formerly Invitae), Labcorp
Classification: Benign. Last evaluated: 2026-02-04. Review status: criteria provided, single submitter. Criteria: Invitae Variant Classification Sherloc (09022015). Collection method: clinical testing. Allele origin: germline.

Mayo Clinic Laboratories, Mayo Clinic
Classification: Benign. Last evaluated: 2024-07-23. Review status: criteria provided, single submitter. Criteria: ACMG Guidelines, 2015. Collection method: clinical testing. Allele origin: germline. Observed: 2 variant alleles.
Comment: BS1, BS2, BP4

Breakthrough Genomics
Classification: Benign. Review status: criteria provided, single submitter. Criteria: ACMG Guidelines, 2015. Collection method: not provided. Allele origin: germline. Inheritance: Autosomal recessive inheritance. Affected: yes.